The following is an entry in ClinVar:

NM_002470.4(MYH3):c.559_560delinsAA (p.Val187Lys)

Gene: MYH3 (myosin heavy chain 3; minus strand). Cytogenetic location: 17p13.1.
Variant type: Indel.
Coding change: c.559_560delinsAA on transcript NM_002470.4 (MANE Select); coding-DNA positions 559 to 560, GT replaced by AA.
Protein change: p.Val187Lys; replaces valine 187 with lysine.
Molecular consequence: missense variant.
Genome position (GRCh38, 1-based): chr17:10,649,659-10,649,660, AC replaced by TT on the plus strand (GT replaced by AA on the coding strand, the reverse complement: MYH3 is on the minus strand). VCF-style: chr17-10649659-AC-TT. GRCh37 (hg19) VCF-style: chr17-10552976-AC-TT.
Other names: short protein forms V187K.
Identifiers: ClinVar variation 1433350 (VCV001433350.8), dbSNP rs2142418698, ClinGen allele CA2573153026.

ClinVar aggregate classification (germline): Uncertain significance (1 of 4 stars; one submission).

Submission:

Labcorp Genetics (formerly Invitae), Labcorp
Classification: Uncertain significance. Last evaluated: 2022-06-23. Review status: criteria provided, single submitter. Criteria: Invitae Variant Classification Sherloc (09022015). Collection method: clinical testing. Allele origin: germline.
Comment: This sequence change replaces valine, which is neutral and non-polar, with lysine, which is basic and polar, at codon 187 of the MYH3 protein (p.Val187Lys). Information on the frequency of this variant in the gnomAD database is not available, as this variant may be reported differently in the database. This variant has not been reported in the literature in individuals affected with MYH3-related conditions. Algorithms developed to predict the effect of missense changes on protein structure and function are either unavailable or do not agree on the potential impact of this missense change (SIFT: "Not Available"; PolyPhen-2: "Probably Damaging"; Align-GVGD: "Not Available"). In summary, the available evidence is currently insufficient to determine the role of this variant in disease. Therefore, it has been classified as a Variant of Uncertain Significance.